The following is an entry in ClinVar:

NM_024577.4(SH3TC2):c.2951A>G (p.His984Arg)

Gene: SH3TC2 (SH3 domain and tetratricopeptide repeats 2; minus strand). Cytogenetic location: 5q32.
Variant type: single nucleotide variant.
Coding change: c.2951A>G on transcript NM_024577.4 (MANE Select); coding-DNA position 2951, A replaced by G.
Protein change: p.His984Arg; replaces histidine 984 with arginine.
Molecular consequence: missense variant.
Genome position (GRCh38, 1-based): chr5:149,026,674, T>C on the plus strand (A>G on the coding strand, the complement: SH3TC2 is on the minus strand). VCF-style: chr5-149026674-T-C. GRCh37 (hg19) VCF-style: chr5-148406237-T-C.
Other names: short protein forms H984R.
Identifiers: ClinVar variation 1498898 (VCV001498898.3), dbSNP rs978452363, ClinGen allele CA128983423.

ClinVar aggregate classification (germline): Uncertain significance (1 of 4 stars; one submission).

Conditions:
Charcot-Marie-Tooth disease type 4. Also called: Charcot-Marie-Tooth disease, type IV; Charcot-Marie-Tooth, Type 4. Identifiers: Orphanet 64749, MedGen C4082197, MONDO:0018995.

Allele frequency attached by ClinVar (database versions not stated): TOPMed below 0.00001; gnomAD 0.00001.
gnomAD v4.1: 7 of 1,613,976 alleles (0.00043%); highest among the groups gnomAD compares: African/African-American, 0.0013%; no homozygotes.

Submission:

Labcorp Genetics (formerly Invitae), Labcorp
Classification: Uncertain significance for Charcot-Marie-Tooth disease type 4. Last evaluated: 2021-10-23. Review status: criteria provided, single submitter. Criteria: Invitae Variant Classification Sherloc (09022015). Collection method: clinical testing. Allele origin: germline.
Comment: This sequence change replaces histidine with arginine at codon 984 of the SH3TC2 protein (p.His984Arg). The histidine residue is highly conserved and there is a small physicochemical difference between histidine and arginine. This variant is not present in population databases (ExAC no frequency). This variant has not been reported in the literature in individuals affected with SH3TC2-related conditions. Advanced modeling of protein sequence and biophysical properties (such as structural, functional, and spatial information, amino acid conservation, physicochemical variation, residue mobility, and thermodynamic stability) performed at Invitae indicates that this missense variant is not expected to disrupt SH3TC2 protein function. Algorithms developed to predict the effect of sequence changes on RNA splicing suggest that this variant may create or strengthen a splice site. In summary, the available evidence is currently insufficient to determine the role of this variant in disease. Therefore, it has been classified as a Variant of Uncertain Significance.